The following is an entry in ClinVar:

NM_001378452.1(ITPR1):c.2038G>C (p.Val680Leu)

Gene: ITPR1 (inositol 1,4,5-trisphosphate receptor type 1; plus strand). Cytogenetic location: 3p26.1.
Variant type: single nucleotide variant.
Coding change: c.2038G>C on transcript NM_001378452.1 (MANE Select); coding-DNA position 2038, G replaced by C.
Protein change: p.Val680Leu; replaces valine 680 with leucine.
Molecular consequence: missense variant.
Genome position (GRCh38, 1-based): chr3:4,670,760, G>C. VCF-style: chr3-4670760-G-C. GRCh37 (hg19) VCF-style: chr3-4712444-G-C.
Other names: c.2038G>C, p.Val680Leu (NM_001099952.4); c.1993G>C, p.Val665Leu (NM_001168272.2, NM_002222.7); short protein forms V665L, V680L.
Identifiers: ClinVar variation 2228463 (VCV002228463.2), dbSNP rs777559004, ClinGen allele CA2231336.
Genomic context (GRCh38, chr3:4,670,760, plus strand): 5'-AACTTTTCCCTCCTCCTCTTGTTTTCTAGGTTGGTTCTTTCTCGTTTTGAATTTGAAGGT[G>C]TCTCTTCCACTGGAGAGAATGCTCTGGAGGCAGGAGAAGACGAGGAAGAGGTGTGGCTGT-3'
Protein context (NP_001365381.1, residues 670-690): LVLSRFEFEG[Val680Leu]SSTGENALEA

ClinVar aggregate classification (germline): Uncertain significance (1 of 4 stars; one submission).

Conditions:
Inborn genetic diseases. Identifiers: MedGen C0950123, MeSH D030342.

Allele frequency attached by ClinVar (database versions not stated): gnomAD exomes below 0.00001; TOPMed below 0.00001; ExAC 0.00001; gnomAD 0.00001.
gnomAD v4.1: 2 of 1,601,710 alleles (0.00012%); highest among the groups gnomAD compares: Non-Finnish European, 0.00017%; no homozygotes.

Submission:

Ambry Genetics
Classification: Uncertain significance for Inborn genetic diseases. Last evaluated: 2020-12-28. Review status: criteria provided, single submitter. Criteria: Ambry Variant Classification Scheme 2023. Collection method: clinical testing. Allele origin: germline.
Comment: The c.1993G>C (p.V665L) alteration is located in exon 19 (coding exon 17) of the ITPR1 gene. This alteration results from a G to C substitution at nucleotide position 1993, causing the valine (V) at amino acid position 665 to be replaced by a leucine (L). The p.V665L alteration is predicted to be tolerated by in silico analysis. Based on insufficient or conflicting evidence, the clinical significance of this alteration remains unclear.